The following is an entry in ClinVar:

ClinVar aggregate classification (germline): Uncertain significance (1 of 4 stars; one submission).

Conditions:
Ehlers-Danlos syndrome, type 4 (EDSVASC). Also called: Ehlers-Danlos Syndrome Type IV; Ehlers-Danlos syndrome vascular type; Ehlers Danlos syndrome, ecchymotic type; Ehlers Danlos syndrome, arterial type; Ehlers Danlos syndrome, Sack-Barabas type. Identifiers: Orphanet 286, MedGen C0268338, MONDO:0017314, OMIM 130050.

Submission:

Labcorp Genetics (formerly Invitae), Labcorp
Classification: Uncertain significance for Ehlers-Danlos syndrome, type 4. Last evaluated: 2023-12-02. Review status: criteria provided, single submitter. Criteria: Invitae Variant Classification Sherloc (09022015). Collection method: clinical testing. Allele origin: germline.
Comment: This sequence change replaces alanine, which is neutral and non-polar, with glutamic acid, which is acidic and polar, at codon 1445 of the COL3A1 protein (p.Ala1445Glu). This variant is not present in population databases (gnomAD no frequency). This variant has not been reported in the literature in individuals affected with COL3A1-related conditions. Advanced modeling of protein sequence and biophysical properties (such as structural, functional, and spatial information, amino acid conservation, physicochemical variation, residue mobility, and thermodynamic stability) performed at Invitae indicates that this missense variant is not expected to disrupt COL3A1 protein function with a negative predictive value of 95%. In summary, the available evidence is currently insufficient to determine the role of this variant in disease. Therefore, it has been classified as a Variant of Uncertain Significance.

NM_000090.4(COL3A1):c.4334C>A (p.Ala1445Glu)

Gene: COL3A1 (collagen type III alpha 1 chain; plus strand). Cytogenetic location: 2q32.2.
Variant type: single nucleotide variant.
Coding change: c.4334C>A on transcript NM_000090.4 (MANE Select); coding-DNA position 4334, C replaced by A.
Protein change: p.Ala1445Glu; replaces alanine 1445 with glutamic acid.
Molecular consequence: missense variant.
Genome position (GRCh38, 1-based): chr2:189,011,707, C>A. VCF-style: chr2-189011707-C-A. GRCh37 (hg19) VCF-style: chr2-189876433-C-A.
Other names: short protein forms A1445E.
Identifiers: ClinVar variation 2700419 (VCV002700419.3), dbSNP rs2469172772, ClinGen allele CA349850363.